The following is an entry in ClinVar:

NM_024757.5(EHMT1):c.2222del (p.Gln741fs)

Gene: EHMT1 (euchromatic histone lysine methyltransferase 1; plus strand). Cytogenetic location: 9q34.3.
Variant type: Deletion.
Coding change: c.2222del on transcript NM_024757.5 (MANE Select); coding-DNA position 2222, one base deleted (A; older notation c.2222delA).
Protein change: p.Gln741fs; shifts the reading frame from glutamine 741.
Molecular consequence: frameshift variant.
Genome position (GRCh38, 1-based): chr9:137,779,664, A deleted. VCF-style (leftmost placement, unchanged base first): chr9-137779663-CA-C. GRCh37 (hg19) VCF-style: chr9-140674115-CA-C.
Other names: c.2222del, p.Gln741fs (NM_001145527.2); c.2129del, p.Gln710fs (NM_001354259.2); c.2201del, p.Gln734fs (NM_001354263.2); short protein forms Q734fs, Q741fs, Q710fs.
Identifiers: ClinVar variation 280627 (VCV000280627.2), dbSNP rs886041797, ClinGen allele CA10603185.

ClinVar aggregate classification (germline): Pathogenic (1 of 4 stars; one submission).

Submission:

GeneDx
Classification: Pathogenic. Last evaluated: 2016-05-19. Review status: criteria provided, single submitter. Criteria: GeneDx Variant Classification (06012015). Collection method: clinical testing. Allele origin: germline. Affected: yes.
Comment: The c.2222delA pathogenic variant in the EHMT1 gene has not been reported previously as a pathogenic variant nor as a benign variant, to our knowledge. The c.2222delA variant causes a frameshift starting with codon Glutamine 741, changes this amino acid to an Arginine residue, and creates a premature Stop codon at position 70 of the new reading frame, denoted p.Gln741ArgfsX70. This variant is predicted to cause loss of normal protein function either through protein truncation or nonsense-mediated mRNA decay. The c.2222delA variant was not observed in approximately 6,500 individuals of European and African American ancestry in the NHLBI Exome Sequencing Project, indicating it is not a common benign variant in these populations. We interpret c.2222delA as a pathogenic variant.